The following is an entry in ClinVar:

NM_015046.7(SETX):c.1312T>C (p.Ser438Pro)

Gene: SETX (senataxin; minus strand). Cytogenetic location: 9q34.13.
Variant type: single nucleotide variant.
Coding change: c.1312T>C on transcript NM_015046.7 (MANE Select); coding-DNA position 1312, T replaced by C.
Protein change: p.Ser438Pro; replaces serine 438 with proline.
Molecular consequence: missense variant.
Genome position (GRCh38, 1-based): chr9:132,330,286, A>G on the plus strand (T>C on the coding strand, the complement: SETX is on the minus strand). VCF-style: chr9-132330286-A-G. GRCh37 (hg19) VCF-style: chr9-135205673-A-G.
Other names: c.1312T>C, p.Ser438Pro (NM_001351527.2, NM_001351528.2); short protein forms S438P.
Identifiers: ClinVar variation 4538745 (VCV004538745.1).

ClinVar aggregate classification (germline): Uncertain significance (1 of 4 stars; one submission).

Submission:

GeneDx
Classification: Uncertain significance. Last evaluated: 2025-06-18. Review status: criteria provided, single submitter. Criteria: GeneDx Variant Classification Process June 2021. Collection method: clinical testing. Allele origin: germline. Affected: yes.
Comment: Not observed at significant frequency in large population cohorts (gnomAD); In silico analysis suggests that this missense variant does not alter protein structure/function; Has not been previously published as pathogenic or benign to our knowledge